The following is an entry in ClinVar:

ClinVar aggregate classification (somatic clinical impact): Tier I - Strong (1 of 4 stars; one submission).

Conditions:
Adenocarcinoma of the large intestine. Identifiers: MedGen C1319315, MONDO:0005008, HP:0040275.

Submission:

Institute for Genomic Medicine (IGM) Clinical Laboratory, Nationwide Children's Hospital
Classification: Tier I - Strong for Adenocarcinoma of the large intestine. Assertion type: diagnostic. Clinical significance: supports diagnosis. Last evaluated: 2022-12-16. Review status: criteria provided, single submitter. Criteria: AMP/ASCO/CAP Guidelines, 2017. Collection method: clinical testing. Allele origin: somatic. Affected: yes.
Comment: Variant has Tier I (strong) clinical significance as a diagnostic inclusion criterion in colorectal adenocarcinoma, based on the following evidence: 1) Documented in one or more cancer databases (e.g., St. Jude Pecan, COSMIC, CIViC, OncoKB). 2) Appears in one or more well-established professional guidelines (e.g., World Health Organization [WHO]; National Comprehensive Cancer Network [NCCN]) as providing diagnostic, prognostic, or therapeutic information. 3) Diagnostic for a specific tumor type/classification based on well-powered studies with expert-level consensus (Evidence Level B; PMIDs: 22810696, 27325016).

Literature cited by the submitters: PubMed 22810696; PubMed 27325016.

NM_001616.5(ACVR2A):c.1310del (p.Lys437fs)

Gene: ACVR2A (activin A receptor type 2A; plus strand). Cytogenetic location: 2q23.1.
Variant type: Deletion.
Coding change: c.1310del on transcript NM_001616.5 (MANE Select); coding-DNA position 1310, one base deleted (A; older notation c.1310delA).
Protein change: p.Lys437fs; shifts the reading frame from lysine 437.
Molecular consequence: frameshift variant.
Genome position (GRCh38, 1-based): chr2:147,926,124, A deleted; the last of 8 consecutive A bases (chr2:147,926,117-147,926,124); deleting any one gives the same sequence. VCF-style (leftmost placement, unchanged base first): chr2-147926116-TA-T. GRCh37 (hg19) VCF-style: chr2-148683685-TA-T.
Other names: c.1310del, p.Lys437fs (NM_001278579.2); c.986del, p.Lys329fs (NM_001278580.2); short protein forms K329fs, K437fs.
Identifiers: ClinVar variation 4530178 (VCV004530178.1).